The following is an entry in ClinVar:

ClinVar aggregate classification (germline): Uncertain significance. Review status: criteria provided, multiple submitters, no conflicts (2 of 4 stars). 2 submissions from 2 submitters: Uncertain significance (2). Last evaluated 2024-11-21.

Allele frequency attached by ClinVar (database versions not stated): ESP Exome Variant Server 0.00008.

Submissions (2):

Blueprint Genetics
Classification: Uncertain significance. Last evaluated: 2024-11-21. Review status: criteria provided, single submitter. Criteria: ACMG Guidelines, 2015. Collection method: clinical testing. Allele origin: germline.

Labcorp Genetics (formerly Invitae), Labcorp
Classification: Uncertain significance. Last evaluated: 2022-09-27. Review status: criteria provided, single submitter. Criteria: Invitae Variant Classification Sherloc (09022015). Collection method: clinical testing. Allele origin: germline.
Comment: This sequence change replaces serine, which is neutral and polar, with phenylalanine, which is neutral and non-polar, at codon 52 of the CDHR1 protein (p.Ser52Phe). This variant is present in population databases (rs369974970, gnomAD 0.04%). This variant has not been reported in the literature in individuals affected with CDHR1-related conditions. ClinVar contains an entry for this variant (Variation ID: 1415065). Advanced modeling of protein sequence and biophysical properties (such as structural, functional, and spatial information, amino acid conservation, physicochemical variation, residue mobility, and thermodynamic stability) performed at Invitae indicates that this missense variant is not expected to disrupt CDHR1 protein function. In summary, the available evidence is currently insufficient to determine the role of this variant in disease. Therefore, it has been classified as a Variant of Uncertain Significance.

NM_033100.4(CDHR1):c.155C>T (p.Ser52Phe)

Gene: CDHR1 (cadherin related family member 1; plus strand). Cytogenetic location: 10q23.1.
Variant type: single nucleotide variant.
Coding change: c.155C>T on transcript NM_033100.4 (MANE Select); coding-DNA position 155, C replaced by T.
Protein change: p.Ser52Phe; replaces serine 52 with phenylalanine.
Molecular consequence: missense variant.
Genome position (GRCh38, 1-based): chr10:84,196,508, C>T. VCF-style: chr10-84196508-C-T. GRCh37 (hg19) VCF-style: chr10-85956264-C-T.
Other names: c.155C>T, p.Ser52Phe (NM_001171971.3); short protein forms S52F.
Identifiers: ClinVar variation 1415065 (VCV001415065.4), dbSNP rs369974970, ClinGen allele CA5579447.